The following is an entry in ClinVar:

NM_152564.5(VPS13B):c.1872G>T (p.Leu624=)

Gene: VPS13B (vacuolar protein sorting 13 homolog B; plus strand). Cytogenetic location: 8q22.2.
Variant type: single nucleotide variant.
Coding change: c.1872G>T on transcript NM_152564.5 (MANE Select); coding-DNA position 1872, G replaced by T.
Protein change: p.Leu624=; no amino-acid change (leucine 624 retained).
Molecular consequence: synonymous variant.
Genome position (GRCh38, 1-based): chr8:99,147,869, G>T. VCF-style: chr8-99147869-G-T. GRCh37 (hg19) VCF-style: chr8-100160097-G-T.
Other names: c.1872G>T, p.Leu624= (NM_015243.3, NM_017890.5).
Identifiers: ClinVar variation 4997163 (VCV004997163.1).

ClinVar aggregate classification (germline): Likely benign (1 of 4 stars; one submission).

Conditions:
VPS13B-related disorder. Also called: VPS13B-related condition.

gnomAD v4.1: 1 of 1,589,496 alleles (0.000063%); highest among the groups gnomAD compares: South Asian, 0.0012%; no homozygotes.

Submission:

PreventionGenetics, part of Exact Sciences
Classification: Likely benign for VPS13B-related condition. Last evaluated: 2024-12-18. Review status: criteria provided, single submitter. Criteria: ACMG Guidelines, 2015. Collection method: clinical testing. Allele origin: germline.
Comment: This variant is classified as likely benign based on ACMG/AMP sequence variant interpretation guidelines (Richards et al. 2015 PMID: 25741868, with internal and published modifications).